The following is an entry in ClinVar:

ClinVar aggregate classification (germline): Conflicting classifications of pathogenicity. Review status: criteria provided, conflicting classifications (1 of 4 stars). 3 submissions from 3 submitters: Uncertain significance (2); Likely benign (1). Last evaluated 2025-01-08.

Conditions:
Alpha thalassemia-X-linked intellectual disability syndrome (ATRX). Also called: ALPHA-THALASSEMIA/MENTAL RETARDATION SYNDROME, X-LINKED; ATR, NONDELETION TYPE; ATR-X syndrome; Alpha thalassemia mental retardation syndrome, nondeletion type, X-linked; XLMR hypotonic face syndrome; X-linked alpha-thalassemia-mental retardation syndrome. Identifiers: Orphanet 847, MedGen C1845055, MONDO:0010519, OMIM 301040.
Inborn genetic diseases. Identifiers: MedGen C0950123, MeSH D030342.

gnomAD v4.1: 1 of 1,210,745 alleles (0.000083%); highest among the groups gnomAD compares: Non-Finnish European, 0.00011%; no homozygotes.

Submissions (3):

Ambry Genetics
Classification: Uncertain significance for Inborn genetic diseases. Last evaluated: 2025-01-08. Review status: criteria provided, single submitter. Criteria: Ambry Variant Classification Scheme 2023. Collection method: clinical testing. Allele origin: germline.

Labcorp Genetics (formerly Invitae), Labcorp
Classification: Likely benign for Alpha thalassemia-X-linked intellectual disability syndrome. Last evaluated: 2023-08-05. Review status: criteria provided, single submitter. Criteria: Invitae Variant Classification Sherloc (09022015). Collection method: clinical testing. Allele origin: germline.

GeneDx
Classification: Uncertain significance. Last evaluated: 2022-10-26. Review status: criteria provided, single submitter. Criteria: GeneDx Variant Classification Process June 2021. Collection method: clinical testing. Allele origin: germline. Affected: yes.
Comment: Not observed at significant frequency in large population cohorts (gnomAD); In silico analysis supports that this missense variant does not alter protein structure/function; Has not been previously published as pathogenic or benign to our knowledge

NM_000489.6(ATRX):c.1865C>T (p.Pro622Leu)

Gene: ATRX (ATRX chromatin remodeler; minus strand). Cytogenetic location: Xq21.1.
Variant type: single nucleotide variant.
Coding change: c.1865C>T on transcript NM_000489.6 (MANE Select); coding-DNA position 1865, C replaced by T.
Protein change: p.Pro622Leu; replaces proline 622 with leucine.
Molecular consequence: missense variant.
Genome position (GRCh38, 1-based): chrX:77,683,391, G>A on the plus strand (C>T on the coding strand, the complement: ATRX is on the minus strand). VCF-style: chrX-77683391-G-A. GRCh37 (hg19) VCF-style: chrX-76938883-G-A.
Other names: c.1865C>T (NM_000489.3); c.1751C>T, p.Pro584Leu (NM_138270.5); short protein forms P622L, P584L.
Identifiers: ClinVar variation 2019120 (VCV002019120.6), dbSNP rs1557140622, ClinGen allele CA413715802.